The following is an entry in ClinVar:

ClinVar aggregate classification (germline): Likely benign. Review status: criteria provided, multiple submitters, no conflicts (2 of 4 stars). 2 submissions from 2 submitters: Likely benign (2). Last evaluated 2026-07-01.

Conditions:
Parkinsonism-dystonia, infantile. Identifiers: Orphanet 238455, MedGen C2751067, MONDO:0013150.

Allele frequency attached by ClinVar (database versions not stated): ESP Exome Variant Server 0.00008; TOPMed 0.00009; gnomAD 0.00010; gnomAD exomes 0.00010; ExAC 0.00013.
gnomAD v4.1: 307 of 1,613,158 alleles (0.019%); highest among the groups gnomAD compares: Middle Eastern, 0.45%; no homozygotes.

Submissions (2):

CeGaT Center for Human Genetics Tuebingen
Classification: Likely benign. Last evaluated: 2026-07-01. Review status: criteria provided, single submitter. Criteria: CeGaT Center For Human Genetics Tuebingen Variant Classification Criteria Version 2. Collection method: clinical testing. Allele origin: germline. Affected: yes. Observed: 1 variant allele.
Comment: SLC6A3: BP4

Labcorp Genetics (formerly Invitae), Labcorp
Classification: Likely benign for Parkinsonism-dystonia, infantile. Last evaluated: 2025-11-05. Review status: criteria provided, single submitter. Criteria: Invitae Variant Classification Sherloc (09022015). Collection method: clinical testing. Allele origin: germline.

NM_001044.5(SLC6A3):c.792+7C>T

Gene: SLC6A3 (solute carrier family 6 member 3). Cytogenetic location: 5p15.33.
Variant type: single nucleotide variant.
Coding change: c.792+7C>T on transcript NM_001044.5 (MANE Select); 7 bases into the intron after coding-DNA position 792, C replaced by T.
Molecular consequence: intron variant.
Genome position (GRCh38, 1-based): chr5:1,421,869, G>A on the plus strand (C>T on the coding strand, the complement: SLC6A3 is on the minus strand). VCF-style: chr5-1421869-G-A. GRCh37 (hg19) VCF-style: chr5-1421984-G-A.
Identifiers: ClinVar variation 695755 (VCV000695755.12), dbSNP rs370881183, ClinGen allele CA3186272.